The following is an entry in ClinVar:

ClinVar aggregate classification (germline): Likely benign. Review status: criteria provided, multiple submitters, no conflicts (2 of 4 stars). 2 submissions from 2 submitters: Likely benign (2). Last evaluated 2025-10-01.

gnomAD v4.1: 163 of 1,613,654 alleles (0.01%); highest among the groups gnomAD compares: East Asian, 0.045%; no homozygotes.

Submissions (2):

CeGaT Center for Human Genetics Tuebingen
Classification: Likely benign. Last evaluated: 2025-10-01. Review status: criteria provided, single submitter. Criteria: CeGaT Center For Human Genetics Tuebingen Variant Classification Criteria Version 2. Collection method: clinical testing. Allele origin: germline. Affected: yes. Observed: 1 variant allele.
Comment: TMEM94: BP4, BP7

Blueprint Genetics
Classification: Likely benign. Last evaluated: 2024-06-12. Review status: criteria provided, single submitter. Criteria: ACMG Guidelines, 2015. Collection method: clinical testing. Allele origin: germline.

NM_014738.6(TMEM94):c.639G>A (p.Pro213=)

Gene: TMEM94 (transmembrane protein 94; plus strand). Cytogenetic location: 17q25.1.
Variant type: single nucleotide variant.
Coding change: c.639G>A on transcript NM_014738.6 (MANE Select); coding-DNA position 639, G replaced by A.
Protein change: p.Pro213=; no amino-acid change (proline 213 retained).
Molecular consequence: synonymous variant.
Genome position (GRCh38, 1-based): chr17:75,488,785, G>A. VCF-style: chr17-75488785-G-A. GRCh37 (hg19) VCF-style: chr17-73484866-G-A.
Other names: c.669G>A, p.Pro223= (NM_001438846.1, NM_001351203.2, NM_001438843.1 and 1 more transcripts); c.639G>A, p.Pro213= (NM_001438847.1, NM_001438848.1, NM_001321149.2 and 5 more transcripts).
Identifiers: ClinVar variation 4533614 (VCV004533614.7).